The following is an entry in ClinVar:

ClinVar aggregate classification (germline): Pathogenic. Review status: criteria provided, multiple submitters, no conflicts (2 of 4 stars). 43 submissions from 41 submitters: Pathogenic (33). 10 of the submissions do not count toward it. Last evaluated 2026-06-26.

Conditions:
FGFR3-related chondrodysplasia. Identifiers: Orphanet 93420, MedGen C5681604, MONDO:0019685.
FGFR3-related disorder. Also called: FGFR3-related disorders.
Inborn genetic diseases. Identifiers: MedGen C0950123, MeSH D030342.
Hypochondroplasia (HCH). Identifiers: Orphanet 429, MedGen C0410529, MONDO:0007793, OMIM 146000. Disease mechanism: gain of function.
Achondroplasia (ACH). Also called: Achondroplastic dwarfism. Identifiers: Orphanet 15, MedGen C0001080, MONDO:0007037, OMIM 100800. Disease mechanism: gain of function.
Neurodevelopmental delay. Identifiers: MedGen C4022738, HP:0012758.

Submissions 1 to 9 of 43:

MVZ Martinsried, Medicover Genetics
Classification: Pathogenic for Hypochondroplasia. Last evaluated: 2026-06-26. Review status: criteria provided, single submitter. Criteria: ClinGen Variant Curation SOP V3.2 + Classification Guidance July2025. Collection method: clinical testing. Allele origin: de novo. Affected: yes. Observed: 1 heterozygote.

Genomenon, Inc
Classification: Pathogenic for FGFR3-related chondrodysplasia. Last evaluated: 2026-06-23. Review status: criteria provided, single submitter. Criteria: Genomenon Sequence Variant Interpretation Standards - Updated. Collection method: curation. Allele origin: germline. Affected: yes.
Comment: FGFR3 p.Asn540Lys (c.1620C>A) is a missense variant that changes the amino acid at codon 540 from Asparagine to Lysine. This variant has been observed in multiple probands with an FGFR3-related disorder (PMID:36592150;8880574;8702125;9672519;10395236;7670477;23614116). The variant was found to segregate with disease in at least one affected family (PMID:7670477;10395236;23614116). A de novo occurrence of this variant has been observed in at least one affected individual (PMID:36592150;7670477;10395236). At least one functional study has demonstrated a substantial alteration in protein function relative to the wild-type (PMID:33368972;26992226;19088846). This variant is located in a mutational hotspot and/or important functional domain. It is absent or not present at a significant frequency in gnomAD. In silico models predict that this variant is possibly or probably damaging. In conclusion, we classify FGFR3 p.Asn540Lys (c.1620C>A) as a pathogenic variant.

PreventionGenetics, part of Exact Sciences
Classification: Pathogenic for FGFR3-related condition. Last evaluated: 2026-03-22. Review status: criteria provided, single submitter. Criteria: ACMG Guidelines, 2015. Collection method: clinical testing. Allele origin: germline.
Comment: The FGFR3 c.1620C>A variant is predicted to result in the amino acid substitution p.Asn540Lys. This variant is reported to be the most common cause of hypochondroplasia (see, for example, Bellus et al. 1995. PubMed ID: 7670477; Linnankivi et al. 2012. PubMed ID: 23165795; Mustafa et al. 2014. PubMed ID: 25505998; Xue et al. 2014. PubMed ID: 25614871; Maddirevula et al. 2018. PubMed ID: 29620724). This variant has been reported in the homozygous state in a patient with severe hypochondroplasia (De Rosa et al. 2014. PubMed ID: 24715719), and has also been reported in patients with thanatophoric dysplasia as part of a complex double de novo FGFR3 allele (Pannier et al. 2009. PubMed ID: 19449430; Marquis-Nicholson et al. 2013. PubMed ID: 23573386). This variant has not been reported in a large population database, indicating this variant is rare. This variant is interpreted as pathogenic.

Variantyx, Inc.
Classification: Pathogenic for Hypochondroplasia. Last evaluated: 2025-12-21. Review status: criteria provided, single submitter. Criteria: Variantyx Assertion Criteria 2022. Collection method: clinical testing. Allele origin: de novo. Inheritance: Autosomal dominant inheritance. Affected: yes.
Comment: This is a nonsynonymous variant in the FGFR3 gene (OMIM: 134934). Pathogenic variants in this gene have been associated with autosomal dominant hypochondroplasia and achondroplasia. This variant likely occurred de novo in the current proband, in individuals reported in the published literature, and in previous internal cases; however, the possibility of parental germline mosaicism cannot be excluded (PMID: 7670477, 36923788) (PS2_Very_Strong). Functional studies have shown that this variant alters FGFR3 protein function (PMID: 37345656) (PS3), and multiple computational algorithms predict a deleterious effect for this variant (REVEL score: 0.693) (PP3).An alternate nucleotide substitution resulting in the same amino acid change (c.1620C>G) has been previously reported as pathogenic (PMID: 23149434) (PS1). This variant has been reported in several unrelated affected individuals (PMID: 25614871, 23165795) (PS4) and is absent from control populations (PM2). Based on the current evidence, this variant is classified as pathogenic for autosomal dominant hypochondroplasia and/or achondroplasia.

Labcorp Genetics (formerly Invitae), Labcorp
Classification: Pathogenic. Last evaluated: 2025-12-15. Review status: criteria provided, single submitter. Criteria: Invitae Variant Classification Sherloc (09022015). Collection method: clinical testing. Allele origin: germline.
Comment: This sequence change replaces asparagine, which is neutral and polar, with lysine, which is basic and polar, at codon 540 of the FGFR3 protein (p.Asn540Lys). This variant is not present in population databases (gnomAD no frequency). This missense change has been observed in individuals with sporadic or familial hypochondroplasia (PMID: 7670477, 8589686, 9452043, 11055896, 23165795, 25614871). It has also been observed to segregate with disease in related individuals. This variant is also known as c.1659C>A. ClinVar contains an entry for this variant (Variation ID: 16337). Invitae Evidence Modeling incorporating data from in vitro experimental studies (internal data) indicates that this missense variant is expected to disrupt FGFR3 function with a positive predictive value of 95%. For these reasons, this variant has been classified as Pathogenic.

3billion
Classification: Pathogenic for FGFR3-related disorder. Last evaluated: 2025-11-26. Review status: criteria provided, single submitter. Criteria: ACMG Guidelines, 2015. Collection method: clinical testing. Allele origin: germline. Affected: yes.
Comment: The variant is not observed in the gnomAD v4.1.0 dataset. Predicted Consequence/Location: Missense variant. Missense changes are a common disease-causing mechanism. In silico tool predictions suggest damaging effect of the variant on gene or gene product [REVEL: 0.69 (>=0.6, sensitivity 0.68 and specificity 0.92); 3Cnet: 0.99 (> 0.75, sensitivity 0.96 and precision 0.92)]. The same nucleotide change resulting in the same amino acid change has been previously reported as pathogenic/likely pathogenic with strong evidence (ClinVar ID: VCV000016337 /PMID: 7670477 /3billion dataset). The variant has been observed in multiple (>3) similarly affected unrelated individuals (PMID: 25614871). Different missense changes at the same codon (p.Asn540Asp, p.Asn540His, p.Asn540Ser, p.Asn540Thr) have been reported as pathogenic/likely pathogenic with strong evidence (ClinVar ID: VCV000016344, VCV000016349, VCV000374828, VCV001325830 /PMID: 10777366, 39498320, 9452043 /3billion dataset). Therefore, this variant is classified as Pathogenic according to the recommendation of ACMG/AMP guideline.

Ambry Genetics
Classification: Pathogenic for Inborn genetic diseases. Last evaluated: 2025-10-29. Review status: criteria provided, single submitter. Criteria: Ambry Variant Classification Scheme 2023. Collection method: clinical testing. Allele origin: germline.
Comment: The c.1620C>A (p.N540K) alteration is located in exon 12 (coding exon 11) of the FGFR3 gene. This alteration results from a C to A substitution at nucleotide position 1620, causing the asparagine (N) at amino acid position 540 to be replaced by a lysine (K). The p.N540K variant is the most common cause of hypochondroplasia (Bober, 1999). for autosomal dominant FGFR3-related skeletal disorders; however, its clinical significance for autosomal dominant or recessive CATSHL syndrome is uncertain. The Genome Aggregation Database (gnomAD) data for this variant is unreliable due to technical and/or biological issues; therefore, population frequency estimates were not considered. The p.N540K variant is the most common cause of hypochondroplasia (Bober, 1999). This variant was reported in individual(s) with features consistent with FGFR3-skeletal disorders; in at least one individual, it was determined to be de novo (Bellus, 2000; De Rosa, 2014; Xue, 2014; Cheung, 2024). Other variant(s) at the same codon, c.1619A>G (p.N540S) and c.1619A>C (p.N540T), as well as other variant(s) resulting in the same amino acid change (c.1620C>G), have been identified in individuals with features consistent with FGFR3-skeletal disorders (Deutz-Terlouw, 1998; Mortier, 2000; Thauvin-Robinet, 2003; De Sanctis, 2012; Xue, 2014; Ekinci, 2022; Fang, 2024). This amino acid position is highly conserved in available vertebrate species. An animal model expressing this variant exhibited phenotypes consistent with FGFR3-related disease (Krejci, 2008; Loisay, 2023). The in silico prediction for this alteration is inconclusive. Based on the available evidence, this alteration is classified as pathogenic.

Genetics Laboratory, Great Ormond Street Hospital NHS Foundation Trust, North Thames Genomic Laboratory Hub
Classification: Pathogenic for Hypochondroplasia. Last evaluated: 2025-09-09. Review status: criteria provided, single submitter. Criteria: ACGS Best Practice Guidelines for Variant Classification in Rare Disease 2024 v1.2. Collection method: clinical testing. Allele origin: germline. Affected: yes.
Comment: PS4_moderate, PM2_moderate, PS1_strong, PM5_moderate, PS3_moderate, PS2_strong

Laboratory of Genetics, Children's Clinical University Hospital Latvia
Classification: Pathogenic. Last evaluated: 2025-02-16. Review status: criteria provided, single submitter. Criteria: ACMG Guidelines, 2015. Collection method: clinical testing. Allele origin: germline. Affected: yes.

NM_000142.5(FGFR3):c.1620C>A (p.Asn540Lys)

Gene: FGFR3 (fibroblast growth factor receptor 3; plus strand). Cytogenetic location: 4p16.3.
Variant type: single nucleotide variant.
Coding change: c.1620C>A on transcript NM_000142.5 (MANE Select); coding-DNA position 1620, C replaced by A.
Protein change: p.Asn540Lys; replaces asparagine 540 with lysine.
Molecular consequence: missense variant. On other transcripts: non-coding transcript variant (1).
Genome position (GRCh38, 1-based): chr4:1,805,644, C>A. VCF-style: chr4-1805644-C-A. GRCh37 (hg19) VCF-style: chr4-1807371-C-A.
Other names: FGFR3, ASN540LYS, 1620C-A; c.1626C>A (NM_001163213.1); c.1626C>A, p.Asn542Lys (NM_001163213.2); c.1623C>A, p.Asn541Lys (NM_001354809.2, NM_001354810.2); c.1284C>A, p.Asn428Lys (NM_022965.4); short protein forms N540K, N542K, N428K, N541K.
Identifiers: ClinVar variation 16337 (VCV000016337.107), dbSNP rs28933068, ClinGen allele CA341410.